The following is an entry in ClinVar:

ClinVar aggregate classification (germline): Uncertain significance (1 of 4 stars; one submission).

Conditions:
Hereditary cancer-predisposing syndrome. Also called: Tumor predisposition; Hereditary neoplastic syndrome; Hereditary Cancer Syndrome; Neoplastic Syndromes, Hereditary. Identifiers: Orphanet 140162, MedGen C0027672, MeSH D009386, MONDO:0015356.

gnomAD v4.1: 2 of 1,581,512 alleles (0.00013%); highest among the groups gnomAD compares: Non-Finnish European, 0.00017%; no homozygotes.

Submission:

Ambry Genetics
Classification: Uncertain significance for Hereditary cancer-predisposing syndrome. Last evaluated: 2025-05-01. Review status: criteria provided, single submitter. Criteria: Ambry Variant Classification Scheme 2023. Collection method: clinical testing. Allele origin: germline.
Comment: The p.A17T variant (also known as c.49G>A), located in coding exon 1 of the SUFU gene, results from a G to A substitution at nucleotide position 49. The alanine at codon 17 is replaced by threonine, an amino acid with similar properties. This amino acid position is conserved. In addition, this alteration is predicted to be tolerated by in silico analysis. Based on the available evidence, the clinical significance of this variant remains unclear.

NM_016169.4(SUFU):c.49G>A (p.Ala17Thr)

Genes: SUFU (SUFU negative regulator of hedgehog signaling; plus strand), LOC130004614 (ATAC-STARR-seq lymphoblastoid silent region 2764; plus strand). Cytogenetic location: 10q24.32.
Variant type: single nucleotide variant.
Coding change: c.49G>A on transcript NM_016169.4 (MANE Select); coding-DNA position 49, G replaced by A.
Protein change: p.Ala17Thr; replaces alanine 17 with threonine.
Molecular consequence: missense variant.
Genome position (GRCh38, 1-based): chr10:102,504,201, G>A. VCF-style: chr10-102504201-G-A. GRCh37 (hg19) VCF-style: chr10-104263958-G-A.
Other names: c.49G>A, p.Ala17Thr (NM_001178133.2); short protein forms A17T.
Identifiers: ClinVar variation 3963844 (VCV003963844.1).